The following is an entry in ClinVar:

ClinVar aggregate classification (germline): Benign/Likely benign. Review status: criteria provided, multiple submitters, no conflicts (2 of 4 stars). 3 submissions from 3 submitters: Benign (2); Likely benign (1). Last evaluated 2025-06-28.

Conditions:
Cleidocranial dysostosis (CLCD1). Also called: cleidocranial dysplasia 1; Cleidocranial Dysplasia Spectrum Disorder; Marie-Sainton disease. Identifiers: Orphanet 1452, MedGen C0008928, MONDO:0007340, OMIM 119600.

Allele frequency attached by ClinVar (database versions not stated): ESP Exome Variant Server 0.00015; gnomAD exomes 0.00019 and 0.00046; gnomAD 0.00036 and 0.00039; ExAC 0.00039; TOPMed 0.00039.
gnomAD v4.1: 354 of 1,613,306 alleles (0.022%); highest among the groups gnomAD compares: Admixed American, 0.062%; 3 homozygotes.

Submissions (3):

Labcorp Genetics (formerly Invitae), Labcorp
Classification: Benign. Last evaluated: 2025-06-28. Review status: criteria provided, single submitter. Criteria: Invitae Variant Classification Sherloc (09022015). Collection method: clinical testing. Allele origin: germline.

Blueprint Genetics
Classification: Likely benign. Last evaluated: 2024-02-14. Review status: criteria provided, single submitter. Criteria: ACMG Guidelines, 2015. Collection method: clinical testing. Allele origin: germline.

Illumina Laboratory Services, Illumina
Classification: Benign for Cleidocranial dysostosis. Last evaluated: 2018-01-12. Review status: criteria provided, single submitter. Criteria: ICSL Variant Classification Criteria 13 December 2019. Collection method: clinical testing. Allele origin: germline.
Comment: This variant was observed in the ICSL laboratory as part of a predisposition screen in an ostensibly healthy population. It had not been previously curated by ICSL or reported in the Human Gene Mutation Database (HGMD: prior to June 1st, 2018), and was therefore a candidate for classification through an automated scoring system. Utilizing variant allele frequency, disease prevalence and penetrance estimates, and inheritance mode, an automated score was calculated to assess if this variant is too frequent to cause the disease. Based on the score and internal cut-off values, a variant classified as benign is not then subjected to further curation. The score for this variant resulted in a classification of benign for this disease.

NM_001024630.4(RUNX2):c.859+10A>T

Gene: RUNX2 (RUNX family transcription factor 2; plus strand). Cytogenetic location: 6p21.1.
Variant type: single nucleotide variant.
Coding change: c.859+10A>T on transcript NM_001024630.4 (MANE Select); 10 bases into the intron after coding-DNA position 859, A replaced by T.
Molecular consequence: intron variant.
Genome position (GRCh38, 1-based): chr6:45,492,124, A>T. VCF-style: chr6-45492124-A-T. GRCh37 (hg19) VCF-style: chr6-45459861-A-T.
Other names: c.859+10A>T (NM_001015051.4); c.817+10A>T (NM_001369405.1, NM_001278478.2).
Identifiers: ClinVar variation 357093 (VCV000357093.14), dbSNP rs200115506, ClinGen allele CA3836497.